The following is an entry in ClinVar:

NM_000193.4(SHH):c.625C>T (p.Gln209Ter)

Gene: SHH (sonic hedgehog signaling molecule; minus strand). Cytogenetic location: 7q36.3.
Variant type: single nucleotide variant.
Coding change: c.625C>T on transcript NM_000193.4 (MANE Select); coding-DNA position 625, C replaced by T.
Protein change: p.Gln209Ter; replaces glutamine 209 with a stop codon.
Molecular consequence: nonsense. On other transcripts: intron variant (1).
Genome position (GRCh38, 1-based): chr7:155,803,664, G>A on the plus strand (C>T on the coding strand, the complement: SHH is on the minus strand). VCF-style: chr7-155803664-G-A. GRCh37 (hg19) VCF-style: chr7-155596358-G-A.
Other names: c.625C>T; c.301+2632C>T (NM_001310462.2); short protein forms Q209*.
Identifiers: ClinVar variation 65883 (VCV000065883.2), dbSNP rs587778803, ClinGen allele CA345220.

ClinVar aggregate classification (germline): Pathogenic (0 of 4 stars; one submission).

Conditions:
Holoprosencephaly 3 (HPE3). Identifiers: Orphanet 2162, MedGen C1840529, MONDO:0007733, OMIM 142945.

Submission:

GeneReviews
Classification: Pathogenic for Holoprosencephaly. Last evaluated: 2013-08-29. Review status: no assertion criteria provided. Collection method: curation. Allele origin: unknown.
ClinVar note: Converted during submission from pathologic to Pathogenic.